The following is an entry in ClinVar:

ClinVar aggregate classification (germline): Likely benign (1 of 4 stars; one submission).

Conditions:
Leigh syndrome (NULS). Also called: Leigh's necrotizing encephalopathy; Leigh's disease; Leigh's syndrome; LEIGH SYNDROME, NUCLEAR; Leigh Syndrome (mtDNA deletion); Leigh Disease. Identifiers: Orphanet 506, MedGen C2931891, MONDO:0009723, OMIM 256000.

Submission:

Wong Mito Lab, Molecular and Human Genetics, Baylor College of Medicine
Classification: Likely benign for Leigh syndrome. Last evaluated: 2019-10-17. Review status: criteria provided, single submitter. Criteria: Modified ACMG Guidelines (Unpublished). Collection method: clinical testing. Allele origin: germline.
Comment: The NC_012920.1:m.14060T>C (YP_003024036.1:p.Ile575Thr) variant in MTND5 gene is interpretated to be a Likely Benign variant based on the modified ACMG guidelines (unpublished). This variant meets the following evidence codes: BS1, BP4

NC_012920.1(MT-ND5):m.14060T>C

Gene: MT-ND5 (mitochondrially encoded NADH dehydrogenase 5; plus strand).
Variant type: single nucleotide variant.
Genome position: chrM-14060-T-C.
Identifiers: ClinVar variation 693661 (VCV000693661.1), dbSNP rs1603224503, ClinGen allele CA414820726.